The following is an entry in ClinVar:

NM_025137.4(SPG11):c.7054_7055insG (p.Tyr2352Ter)

Gene: SPG11 (SPG11 vesicle trafficking associated, spatacsin; minus strand). Cytogenetic location: 15q21.1.
Variant type: Insertion.
Coding change: c.7054_7055insG on transcript NM_025137.4 (MANE Select); coding-DNA positions 7054 to 7055, G inserted.
Protein change: p.Tyr2352Ter; replaces tyrosine 2352 with a stop codon.
Molecular consequence: nonsense.
Genome position: GRCh38 VCF-style: chr15-44564643-T-TC. GRCh37 (hg19) VCF-style: chr15-44856841-T-TC.
Other names: c.6715_6716insG, p.Tyr2239Ter (NM_001160227.2); c.6910_6911insG, p.Tyr2304Ter (NM_001411132.1); short protein forms Y2304*, Y2239*, Y2352*.
Identifiers: ClinVar variation 4727885 (VCV004727885.1).

ClinVar aggregate classification (germline): Pathogenic (1 of 4 stars; one submission).

Conditions:
Hereditary spastic paraplegia 11. Also called: Spastic paraplegia, mental retardation and thin corpus callosum; SPASTIC PARAPLEGIA, AUTOSOMAL RECESSIVE, COMPLICATED, WITH THIN CORPUS CALLOSUM; SPASTIC PARAPLEGIA, AUTOSOMAL RECESSIVE, WITH MENTAL IMPAIRMENT AND THIN CORPUS CALLOSUM; Nakamura Osame syndrome; Autosomal recessive hereditary spastic paraplegia, mental impairment, and thin corpus callosum; Spastic Paraplegia 11. Identifiers: Orphanet 2822, MedGen C1858479, MONDO:0011445, OMIM 604360.

Submission:

Labcorp Genetics (formerly Invitae), Labcorp
Classification: Pathogenic for Hereditary spastic paraplegia 11. Last evaluated: 2025-09-30. Review status: criteria provided, single submitter. Criteria: Invitae Variant Classification Sherloc (09022015). Collection method: clinical testing. Allele origin: germline.
Comment: This sequence change creates a premature translational stop signal (p.Tyr2352*) in the SPG11 gene. It is expected to result in an absent or disrupted protein product. Loss-of-function variants in SPG11 are known to be pathogenic (PMID: 19105190, 20110243, 22154821, 26556829). This variant is not present in population databases (gnomAD no frequency). This variant has not been reported in the literature in individuals affected with SPG11-related conditions. Algorithms developed to predict the effect of sequence changes on RNA splicing suggest that this variant may disrupt the consensus splice site. For these reasons, this variant has been classified as Pathogenic.

Literature cited by the submitters: PubMed 19105190; PubMed 20110243; PubMed 22154821; PubMed 26556829.